The following is an entry in ClinVar:

NM_004415.4(DSP):c.2298-38T>C

Gene: DSP (desmoplakin; plus strand). Cytogenetic location: 6p24.3.
Variant type: single nucleotide variant.
Coding change: c.2298-38T>C on transcript NM_004415.4 (MANE Select); 38 bases into the intron before coding-DNA position 2298, T replaced by C.
Molecular consequence: intron variant.
Genome position (GRCh38, 1-based): chr6:7,574,619, T>C. VCF-style: chr6-7574619-T-C. GRCh37 (hg19) VCF-style: chr6-7574852-T-C.
Other names: c.2298-38T>C (NM_001319034.2, NM_001008844.3).
Identifiers: ClinVar variation 672396 (VCV000672396.1), dbSNP rs2295859, ClinGen allele CA032696.

ClinVar aggregate classification (germline): Benign (1 of 4 stars; one submission).

Allele frequency attached by ClinVar (database versions not stated): gnomAD exomes 0.05164 and 0.05326; ExAC 0.05258; gnomAD 0.06009 and 0.06087; TOPMed 0.06239; ESP Exome Variant Server 0.06243; 1000 Genomes Project 30x 0.06340; 1000 Genomes Project 0.06390.
gnomAD v4.1: 87,359 of 1,613,640 alleles (5.4%); highest among the groups gnomAD compares: Middle Eastern, 8%; 2,581 homozygotes.

Submission:

GeneDx
Classification: Benign. Last evaluated: 2018-06-13. Review status: criteria provided, single submitter. Criteria: GeneDx Variant Classification (06012015). Collection method: clinical testing. Allele origin: germline. Affected: yes.
Comment: This variant is considered likely benign or benign based on one or more of the following criteria: it is a conservative change, it occurs at a poorly conserved position in the protein, it is predicted to be benign by multiple in silico algorithms, and/or has population frequency not consistent with disease.